The following is an entry in ClinVar:

ClinVar aggregate classification (germline): Uncertain significance (1 of 4 stars; one submission).

Conditions:
GNAS-related disorder. Identifiers: MedGen CN380105.

gnomAD v4.1: 1 of 1,595,782 alleles (0.000063%); highest among the groups gnomAD compares: Non-Finnish European, 0.000085%; no homozygotes.

Submission:

PreventionGenetics, part of Exact Sciences
Classification: Uncertain significance for GNAS-related condition. Last evaluated: 2025-03-20. Review status: criteria provided, single submitter. Criteria: ACMG Guidelines, 2015. Collection method: clinical testing. Allele origin: germline.
Comment: The GNAS c.578G>C variant is predicted to result in the amino acid substitution p.Gly193Ala. To our knowledge, this variant has not been reported in the literature or in a large population database (gnomAD), indicating this variant is rare. At this time, the clinical significance of this variant is uncertain due to the absence of conclusive functional and genetic evidence.

NM_080425.4(GNAS):c.578G>C (p.Gly193Ala)

Gene: GNAS (GNAS complex locus; plus strand). Cytogenetic location: 20q13.32.
Variant type: single nucleotide variant.
Coding change: c.578G>C on transcript NM_080425.4 (MANE Plus Clinical); coding-DNA position 578, G replaced by C.
Protein change: p.Gly193Ala; replaces glycine 193 with alanine.
Molecular consequence: missense variant. On other transcripts: intron variant (3).
Genome position (GRCh38, 1-based): chr20:58,853,843, G>C. VCF-style: chr20-58853843-G-C. GRCh37 (hg19) VCF-style: chr20-57428898-G-C.
Other names: c.578G>C, p.Gly193Ala (NM_001410913.1); c.*42+12957G>C (NM_016592.5); c.43+12957G>C (NM_001410912.1); c.-39+11968G>C (NM_001309861.2); c.391G>C, p.Gly131Arg (NM_001077490.3, NM_001309883.1); short protein forms G131R, G193A.
Identifiers: ClinVar variation 4999529 (VCV004999529.1).
Genomic context (GRCh38, chr20:58,853,843, plus strand): 5'-GCTGCAGTCAACTTCTCTTACAGGTCCCAGACCTTGCTCCAGGAGGCCCAGGTGCTGCAG[G>C]GGTCCCCGGAGCTCCTCCCGAGGAGCCCCAAGCCCTCAGGCCTGCAAAGGCTGGCTCCAG-3'
Protein context (NP_536350.2, residues 183-203): DLAPGGPGAA[Gly193Ala]VPGAPPEEPQ